The following is an entry in ClinVar:

NM_000551.4(VHL):c.-47C>A

Gene: VHL (von Hippel-Lindau tumor suppressor; plus strand). Cytogenetic location: 3p25.3.
Variant type: single nucleotide variant.
Coding change: c.-47C>A on transcript NM_000551.4 (MANE Select); 47 bases upstream of the start codon, C replaced by A.
Molecular consequence: 5 prime UTR variant. On other transcripts: non-coding transcript variant (1).
Genome position (GRCh38, 1-based): chr3:10,141,801, C>A. VCF-style: chr3-10141801-C-A. GRCh37 (hg19) VCF-style: chr3-10183485-C-A.
Other names: c.-47C>A (NM_001354723.2, NM_198156.3).
Identifiers: ClinVar variation 4793499 (VCV004793499.1).

ClinVar aggregate classification (germline): Uncertain significance (1 of 4 stars; one submission).

Conditions:
Chuvash polycythemia. Also called: POLYCYTHEMIA, VHL-DEPENDENT. Identifiers: Orphanet 238557, MedGen C1837915, MONDO:0009892, OMIM 263400.
Von Hippel-Lindau syndrome (VHLS). Also called: von Hippel–Lindau syndrome; VHL syndrome; Von Hippel-Lindau. Identifiers: Orphanet 892, MedGen C0019562, MONDO:0008667, OMIM 193300. Disease mechanism: loss of function.

gnomAD v4.1: 2 of 1,534,740 alleles (0.00013%); highest among the groups gnomAD compares: Non-Finnish European, 0.00018%; no homozygotes.

Submission:

Labcorp Genetics (formerly Invitae), Labcorp
Classification: Uncertain significance for Von Hippel-Lindau syndrome; Chuvash polycythemia. Last evaluated: 2025-03-04. Review status: criteria provided, single submitter. Criteria: Invitae Variant Classification Sherloc (09022015). Collection method: clinical testing. Allele origin: germline.
Comment: This variant occurs in a non-coding region of the VHL gene. It does not change the encoded amino acid sequence of the VHL protein. The frequency data for this variant in the population databases is considered unreliable, as metrics indicate poor data quality at this position in the gnomAD database. This variant has not been reported in the literature in individuals affected with VHL-related conditions. Experimental studies and prediction algorithms are not available or were not evaluated, and the functional significance of this variant is currently unknown. In summary, the available evidence is currently insufficient to determine the role of this variant in disease. Therefore, it has been classified as a Variant of Uncertain Significance.